The following is an entry in ClinVar:

ClinVar aggregate classification (germline): Uncertain significance (1 of 4 stars; one submission).

Conditions:
Cardiomyopathy (CMYO). Also called: Cardiomyopathies. Identifiers: Orphanet 167848, MedGen C0878544, MONDO:0004994, HP:0001638. Inheritance: Various modes of inheritance.

gnomAD v4.1: 1 of 1,614,048 alleles (0.000062%); highest among the groups gnomAD compares: Non-Finnish European, 0.000085%; no homozygotes.

Submission:

Color Diagnostics, LLC DBA Color Health
Classification: Uncertain significance for Cardiomyopathy. Last evaluated: 2025-06-03. Review status: criteria provided, single submitter. Criteria: ACMG Guidelines, 2015. Collection method: clinical testing. Allele origin: germline.
Comment: This missense variant replaces alanine with threonine at codon 1798 of the RYR2 protein. Computational prediction is inconclusive regarding the impact of this variant on protein structure and function. To our knowledge, functional studies have not been reported for this variant. This variant has not been reported in individuals affected with RYR2-related disorders in the literature. This variant has not been identified in the general population by the Genome Aggregation Database (gnomAD). The available evidence is insufficient to determine the role of this variant in disease conclusively. Therefore, this variant is classified as a Variant of Uncertain Significance.

NM_001035.3(RYR2):c.5392G>A (p.Ala1798Thr)

Gene: RYR2 (ryanodine receptor 2; plus strand). Cytogenetic location: 1q43.
Variant type: single nucleotide variant.
Coding change: c.5392G>A on transcript NM_001035.3 (MANE Select); coding-DNA position 5392, G replaced by A.
Protein change: p.Ala1798Thr; replaces alanine 1798 with threonine.
Molecular consequence: missense variant.
Genome position (GRCh38, 1-based): chr1:237,614,520, G>A. VCF-style: chr1-237614520-G-A. GRCh37 (hg19) VCF-style: chr1-237777820-G-A.
Other names: short protein forms A1798T.
Identifiers: ClinVar variation 4758732 (VCV004758732.1).
Genomic context (GRCh38, chr1:237,614,520, plus strand): 5'-TACAGTCCAGAGTTCCCACTGGACATCCTCAAGTCCAAAACCATACAGATGCTGACAGAA[G>A]CTGTTAAAGAGGGCAGTCTTCATGCCCGGGACCCAGTTGGAGGGACTACTGAATTCCTCT-3'
Protein context (NP_001026.2, residues 1788-1808): KSKTIQMLTE[Ala1798Thr]VKEGSLHARD